The following is an entry in ClinVar:

ClinVar aggregate classification (germline): Uncertain significance. Review status: criteria provided, multiple submitters, no conflicts (2 of 4 stars). 3 submissions from 3 submitters: Uncertain significance (3). Last evaluated 2025-07-15.

Conditions:
Inborn genetic diseases. Identifiers: MedGen C0950123, MeSH D030342.
Fibrous dysplasia of jaw (CRBM). Also called: Cherubism. Identifiers: Orphanet 184, MedGen C0008029, MONDO:0007315, OMIM 118400.

Allele frequency attached by ClinVar (database versions not stated): TOPMed below 0.00001; gnomAD 0.00001.
gnomAD v4.1: 20 of 1,612,932 alleles (0.0012%); highest among the groups gnomAD compares: Middle Eastern, 0.016%; no homozygotes.

Submissions (3):

Ambry Genetics
Classification: Uncertain significance for Inborn genetic diseases. Last evaluated: 2025-07-15. Review status: criteria provided, single submitter. Criteria: Ambry Variant Classification Scheme 2023. Collection method: clinical testing. Allele origin: germline.

Labcorp Genetics (formerly Invitae), Labcorp
Classification: Uncertain significance for Fibrous dysplasia of jaw. Last evaluated: 2025-06-23. Review status: criteria provided, single submitter. Criteria: Invitae Variant Classification Sherloc (09022015). Collection method: clinical testing. Allele origin: germline.
Comment: This sequence change replaces proline, which is neutral and non-polar, with glutamine, which is neutral and polar, at codon 368 of the SH3BP2 protein (p.Pro368Gln). This variant is present in population databases (rs781072584, gnomAD 0.0009%). This variant has not been reported in the literature in individuals affected with SH3BP2-related conditions. ClinVar contains an entry for this variant (Variation ID: 647885). Invitae Evidence Modeling of protein sequence and biophysical properties (such as structural, functional, and spatial information, amino acid conservation, physicochemical variation, residue mobility, and thermodynamic stability) indicates that this missense variant is not expected to disrupt SH3BP2 protein function with a negative predictive value of 80%. In summary, the available evidence is currently insufficient to determine the role of this variant in disease. Therefore, it has been classified as a Variant of Uncertain Significance.

CeGaT Center for Human Genetics Tuebingen
Classification: Uncertain significance. Last evaluated: 2023-08-01. Review status: criteria provided, single submitter. Criteria: CeGaT Center For Human Genetics Tuebingen Variant Classification Criteria Version 2. Collection method: clinical testing. Allele origin: germline. Affected: yes. Observed: 1 variant allele.
Comment: SH3BP2: PM2

NM_001122681.2(SH3BP2):c.1103C>A (p.Pro368Gln)

Gene: SH3BP2 (SH3 domain binding protein 2; plus strand). Cytogenetic location: 4p16.3.
Variant type: single nucleotide variant.
Coding change: c.1103C>A on transcript NM_001122681.2 (MANE Select); coding-DNA position 1103, C replaced by A.
Protein change: p.Pro368Gln; replaces proline 368 with glutamine.
Molecular consequence: missense variant.
Genome position (GRCh38, 1-based): chr4:2,830,009, C>A. VCF-style: chr4-2830009-C-A. GRCh37 (hg19) VCF-style: chr4-2831736-C-A.
Other names: c.1187C>A, p.Pro396Gln (NM_001145855.2, LRG_1334t2); c.1274C>A, p.Pro425Gln (NM_001145856.2); c.1103C>A, p.Pro368Gln (NM_003023.4, LRG_1334t1); short protein forms P368Q, P396Q, P425Q.
Identifiers: ClinVar variation 647885 (VCV000647885.32), dbSNP rs781072584, ClinGen allele CA2819387.